The following is an entry in ClinVar:

NM_000135.4(FANCA):c.2335C>G (p.Pro779Ala)

Gene: FANCA (FA complementation group A; minus strand). Cytogenetic location: 16q24.3.
Variant type: single nucleotide variant.
Coding change: c.2335C>G on transcript NM_000135.4 (MANE Select); coding-DNA position 2335, C replaced by G.
Protein change: p.Pro779Ala; replaces proline 779 with alanine.
Molecular consequence: missense variant.
Genome position (GRCh38, 1-based): chr16:89,770,006, G>C on the plus strand (C>G on the coding strand, the complement: FANCA is on the minus strand). VCF-style: chr16-89770006-G-C. GRCh37 (hg19) VCF-style: chr16-89836414-G-C.
Other names: c.2335C>G, p.Pro779Ala (NM_001286167.3); short protein forms P779A.
Identifiers: ClinVar variation 4870788 (VCV004870788.1).

ClinVar aggregate classification (germline): Uncertain significance (1 of 4 stars; one submission).

Conditions:
Inborn genetic diseases. Identifiers: MedGen C0950123, MeSH D030342.

gnomAD v4.1: 3 of 1,613,624 alleles (0.00019%); highest among the groups gnomAD compares: African/African-American, 0.0013%; no homozygotes.

Submission:

Ambry Genetics
Classification: Uncertain significance for Inborn genetic diseases. Last evaluated: 2026-03-17. Review status: criteria provided, single submitter. Criteria: Ambry Variant Classification Scheme 2023. Collection method: clinical testing. Allele origin: germline.
Comment: The p.P779A variant (also known as c.2335C>G), located in coding exon 26 of the FANCA gene, results from a C to G substitution at nucleotide position 2335. The proline at codon 779 is replaced by alanine, an amino acid with highly similar properties. This amino acid position is conserved. In addition, this alteration is predicted to be tolerated by in silico analysis. Based on the available evidence, the clinical significance of this variant remains unclear.